The following is an entry in ClinVar:

NM_002291.3(LAMB1):c.5198C>G (p.Ala1733Gly)

Gene: LAMB1 (laminin subunit beta 1; minus strand). Cytogenetic location: 7q31.1.
Variant type: single nucleotide variant.
Coding change: c.5198C>G on transcript NM_002291.3 (MANE Select); coding-DNA position 5198, C replaced by G.
Protein change: p.Ala1733Gly; replaces alanine 1733 with glycine.
Molecular consequence: missense variant.
Genome position (GRCh38, 1-based): chr7:107,924,256, G>C on the plus strand (C>G on the coding strand, the complement: LAMB1 is on the minus strand). VCF-style: chr7-107924256-G-C. GRCh37 (hg19) VCF-style: chr7-107564701-G-C.
Other names: short protein forms A1733G.
Identifiers: ClinVar variation 1379346 (VCV001379346.6), dbSNP rs2116300906, ClinGen allele CA368860435.

ClinVar aggregate classification (germline): Uncertain significance (1 of 4 stars; one submission).

Submission:

Labcorp Genetics (formerly Invitae), Labcorp
Classification: Uncertain significance. Last evaluated: 2023-05-23. Review status: criteria provided, single submitter. Criteria: Invitae Variant Classification Sherloc (09022015). Collection method: clinical testing. Allele origin: germline.
Comment: In summary, the available evidence is currently insufficient to determine the role of this variant in disease. Therefore, it has been classified as a Variant of Uncertain Significance. An algorithm developed to predict the effect of missense changes on protein structure and function (PolyPhen-2) suggests that this variant is likely to be disruptive. ClinVar contains an entry for this variant (Variation ID: 1379346). This variant has not been reported in the literature in individuals affected with LAMB1-related conditions. This variant is not present in population databases (gnomAD no frequency). This sequence change replaces alanine, which is neutral and non-polar, with glycine, which is neutral and non-polar, at codon 1733 of the LAMB1 protein (p.Ala1733Gly).